The following is an entry in ClinVar:

NM_024301.5(FKRP):c.892G>T (p.Gly298Ter)

Gene: FKRP (fukutin related protein; plus strand). Cytogenetic location: 19q13.32.
Variant type: single nucleotide variant.
Coding change: c.892G>T on transcript NM_024301.5 (MANE Select); coding-DNA position 892, G replaced by T.
Protein change: p.Gly298Ter; replaces glycine 298 with a stop codon.
Molecular consequence: nonsense.
Genome position (GRCh38, 1-based): chr19:46,756,342, G>T. VCF-style: chr19-46756342-G-T. GRCh37 (hg19) VCF-style: chr19-47259599-G-T.
Other names: c.892G>T, p.Gly298Ter (NM_001039885.3); short protein forms G298*.
Identifiers: ClinVar variation 1365203 (VCV001365203.10), dbSNP rs886043401, ClinGen allele CA406496232.
Genomic context (GRCh38, chr19:46,756,342, plus strand): 5'-AGCTGGGAAGGCGGGCGGCTGGAGTGGTTCGGCTGCAACAAGGAGACCACGCGCTGCTTC[G>T]GAACCGTGGTGGGCGACACGCCCGCCTACCTCTACGAGGAGCGCTGGACGCCCCCCTGCT-3'

ClinVar aggregate classification (germline): Pathogenic/Likely pathogenic. Review status: criteria provided, multiple submitters, no conflicts (2 of 4 stars). 3 submissions from 3 submitters: Pathogenic (2); Likely pathogenic (1). Last evaluated 2025-12-30.

Conditions:
Myopathy caused by variation in FKRP. Identifiers: MedGen CN305637, MONDO:0700066.
Walker-Warburg congenital muscular dystrophy. Also called: Muscular dystrophy-dystroglycanopathy, type A; Walker-Warburg syndrome. Identifiers: Orphanet 899, MedGen C0265221, MONDO:0000171.
Muscular dystrophy-dystroglycanopathy (congenital with brain and eye anomalies), type A5. Also called: MUSCULAR DYSTROPHY-DYSTROGLYCANOPATHY (CONGENITAL WITH BRAIN AND EYE ANOMALIES), TYPE A, 5; WALKER-WARBURG SYNDROME OR MUSCLE-EYE-BRAIN DISEASE, FKRP-RELATED. Identifiers: Orphanet 588, Orphanet 899, MedGen C3150413, MONDO:0013157, OMIM 613153.

Submissions (3):

Myriad Genetics, Inc.
Classification: Pathogenic for Myopathy caused by variation in FKRP. Last evaluated: 2025-12-30. Review status: criteria provided, single submitter. Criteria: Myriad Autosomal Dominant, Autosomal Recessive and X-Linked Classification Criteria (2023). Collection method: clinical testing. Allele origin: unknown.
Comment: NM_024301.4(FKRP):c.892G>T(G298*) is a nonsense variant classified as pathogenic in the context of FKRP-related disorders. G298* has not been observed in cases with relevant disease. Relevant functional assessments of this variant are not available in the literature. G298* has not been observed in referenced population frequency databases. In summary, NM_024301.4(FKRP):c.892G>T(G298*) is a nonsense variant in a gene where loss of function is a known mechanism of disease and is predicted to disrupt protein function. Please note: this variant was assessed in the context of healthy population screening.

Baylor Genetics
Classification: Likely pathogenic for Muscular dystrophy-dystroglycanopathy (congenital with brain and eye anomalies), type A5. Last evaluated: 2024-02-07. Review status: criteria provided, single submitter. Criteria: ACMG Guidelines, 2015. Collection method: clinical testing. Allele origin: unknown.

Labcorp Genetics (formerly Invitae), Labcorp
Classification: Pathogenic for Walker-Warburg congenital muscular dystrophy. Last evaluated: 2023-06-22. Review status: criteria provided, single submitter. Criteria: Invitae Variant Classification Sherloc (09022015). Collection method: clinical testing. Allele origin: germline.
Comment: For these reasons, this variant has been classified as Pathogenic. This variant disrupts a region of the FKRP protein in which other variant(s) (p.Ser385*) have been determined to be pathogenic (PMID: 11592034, 12666124, 12707425, 14742276). This suggests that this is a clinically significant region of the protein, and that variants that disrupt it are likely to be disease-causing. ClinVar contains an entry for this variant (Variation ID: 1365203). This variant has not been reported in the literature in individuals affected with FKRP-related conditions. This variant is not present in population databases (gnomAD no frequency). This sequence change creates a premature translational stop signal (p.Gly298*) in the FKRP gene. While this is not anticipated to result in nonsense mediated decay, it is expected to disrupt the last 198 amino acid(s) of the FKRP protein.

Literature cited by the submitters: PubMed 11592034 (cited by Labcorp Genetics (formerly Invitae), Labcorp); PubMed 12666124 (cited by Labcorp Genetics (formerly Invitae), Labcorp); PubMed 12707425 (cited by Labcorp Genetics (formerly Invitae), Labcorp); PubMed 14742276 (cited by Labcorp Genetics (formerly Invitae), Labcorp).